The following is an entry in ClinVar:

ClinVar aggregate classification (germline): Uncertain significance (1 of 4 stars; one submission).

Conditions:
Temtamy syndrome (TEMTYS). Also called: MENTAL RETARDATION WITH OR WITHOUT CRANIOFACIAL DYSMORPHISM, OCULAR COLOBOMA, OR ABNORMAL CORPUS CALLOSUM. Identifiers: Orphanet 1777, MedGen C1857512, MONDO:0009033, OMIM 218340.

Allele frequency attached by ClinVar (database versions not stated): TOPMed 0.00001.

Submission:

Labcorp Genetics (formerly Invitae), Labcorp
Classification: Uncertain significance for Temtamy syndrome. Last evaluated: 2021-03-24. Review status: criteria provided, single submitter. Criteria: Invitae Variant Classification Sherloc (09022015). Collection method: clinical testing. Allele origin: germline.
Comment: In summary, the available evidence is currently insufficient to determine the role of this variant in disease. Therefore, it has been classified as a Variant of Uncertain Significance. Algorithms developed to predict the effect of missense changes on protein structure and function (SIFT, PolyPhen-2, Align-GVGD) all suggest that this variant is likely to be tolerated, but these predictions have not been confirmed by published functional studies and their clinical significance is uncertain. This variant has not been reported in the literature in individuals with C12orf57-related conditions. This variant is not present in population databases (ExAC no frequency). This sequence change replaces aspartic acid with glutamic acid at codon 41 of the C12orf57 protein (p.Asp41Glu). The aspartic acid residue is moderately conserved and there is a small physicochemical difference between aspartic acid and glutamic acid.

NM_138425.4(C12orf57):c.123T>A (p.Asp41Glu)

Gene: C12orf57 (chromosome 12 open reading frame 57; plus strand). Cytogenetic location: 12p13.31.
Variant type: single nucleotide variant.
Coding change: c.123T>A on transcript NM_138425.4 (MANE Select); coding-DNA position 123, T replaced by A.
Protein change: p.Asp41Glu; replaces aspartic acid 41 with glutamic acid.
Molecular consequence: missense variant. On other transcripts: non-coding transcript variant (1).
Genome position (GRCh38, 1-based): chr12:6,944,546, T>A. VCF-style: chr12-6944546-T-A. GRCh37 (hg19) VCF-style: chr12-7053709-T-A.
Other names: c.123T>A, p.Asp41Glu (NM_001301834.1, NM_001301837.2); c.84T>A, p.Asp28Glu (NM_001301836.2); c.18T>A, p.Asp6Glu (NM_001301838.2); short protein forms D28E, D41E, D6E.
Identifiers: ClinVar variation 1681830 (VCV001681830.6), dbSNP rs962899716, ClinGen allele CA232436982.